The following is an entry in ClinVar:

ClinVar aggregate classification (germline): Likely pathogenic (1 of 4 stars; one submission).

Conditions:
Developmental and epileptic encephalopathy, 34 (DEE34). Also called: SLC12A5-Related Epilepsy of Infancy with Migrating Focal Seizures; Early infantile epileptic encephalopathy 34. Identifiers: Orphanet 293181, MedGen C4225257, MONDO:0014718, OMIM 616645.

Submission:

Labcorp Genetics (formerly Invitae), Labcorp
Classification: Likely pathogenic for Developmental and epileptic encephalopathy, 34. Last evaluated: 2023-10-31. Review status: criteria provided, single submitter. Criteria: Invitae Variant Classification Sherloc (09022015). Collection method: clinical testing. Allele origin: germline.
Comment: This sequence change affects an acceptor splice site in intron 1 of the SLC12A5 gene. It is expected to disrupt RNA splicing. Variants that disrupt the donor or acceptor splice site typically lead to a loss of protein function (PMID: 16199547), and loss-of-function variants in SLC12A5 are known to be pathogenic (PMID: 26333769, 27436767). This variant is not present in population databases (gnomAD no frequency). Disruption of this splice site has been observed in individual(s) with clinical features of SLC12A5-related conditions (Invitae). ClinVar contains an entry for this variant (Variation ID: 2032760). Algorithms developed to predict the effect of sequence changes on RNA splicing suggest that this variant may disrupt the consensus splice site. In summary, the currently available evidence indicates that the variant is pathogenic, but additional data are needed to prove that conclusively. Therefore, this variant has been classified as Likely Pathogenic.

Literature cited by the submitters: PubMed 16199547; PubMed 26333769; PubMed 27436767.

NM_020708.5(SLC12A5):c.53-2A>C

Gene: SLC12A5 (solute carrier family 12 member 5; plus strand). Cytogenetic location: 20q13.12.
Variant type: single nucleotide variant.
Coding change: c.53-2A>C on transcript NM_020708.5 (MANE Select); the canonical splice acceptor site of the intron before coding-DNA position 53, A replaced by C.
Molecular consequence: splice acceptor variant.
Genome position (GRCh38, 1-based): chr20:46,034,946, A>C. VCF-style: chr20-46034946-A-C. GRCh37 (hg19) VCF-style: chr20-44663585-A-C.
Other names: c.122-2A>C (NM_001134771.2).
Identifiers: ClinVar variation 2032760 (VCV002032760.4), dbSNP rs2084483775, ClinGen allele CA409186836.